The following is an entry in ClinVar:

ClinVar aggregate classification (germline): Uncertain significance (1 of 4 stars; one submission).

Conditions:
Early-infantile DEE. Also called: Early infantile epileptic encephalopathy; Ohtahara syndrome; Early infantile epileptic encephalopathy with suppression bursts. Identifiers: Orphanet 1934, MedGen C0393706, MONDO:0800491.

Submission:

Labcorp Genetics (formerly Invitae), Labcorp
Classification: Uncertain significance for Early-infantile DEE. Last evaluated: 2024-09-13. Review status: criteria provided, single submitter. Criteria: Invitae Variant Classification Sherloc (09022015). Collection method: clinical testing. Allele origin: germline.
Comment: This sequence change falls in intron 20 of the SCN1A gene. It does not directly change the encoded amino acid sequence of the SCN1A protein. However, this sequence change falls within a region encompassing a cryptic exon in the SCN1A gene, in which variants have been shown to alter splicing (PMID: 30526861, 34107977). This variant is not present in population databases (gnomAD no frequency). This variant has been observed in individual(s) with clinical features of SCN1A-related conditions (internal data). ClinVar contains an entry for this variant (Variation ID: 2017375). Algorithms developed to predict the effect of sequence changes on RNA splicing suggest that this variant is not likely to affect RNA splicing. In summary, the available evidence is currently insufficient to determine the role of this variant in disease. Therefore, it has been classified as a Variant of Uncertain Significance.

Literature cited by the submitters: PubMed 30526861; PubMed 34107977.

NM_001165963.4(SCN1A):c.4002+2563G>A

Genes: SCN1A (sodium voltage-gated channel alpha subunit 1; minus strand), LOC102724058 (uncharacterized LOC102724058; plus strand). Cytogenetic location: 2q24.3.
Variant type: single nucleotide variant.
Coding change: c.4002+2563G>A on transcript NM_001165963.4 (MANE Select); 2563 bases into the intron after coding-DNA position 4002, G replaced by A.
Molecular consequence: intron variant.
Genome position (GRCh38, 1-based): chr2:166,007,156, C>T on the plus strand (G>A on the coding strand, the complement: SCN1A is on the minus strand). VCF-style: chr2-166007156-C-T. GRCh37 (hg19) VCF-style: chr2-166863666-C-T.
Other names: c.3969+2563G>A (NM_001353949.2, NM_001353950.2, NM_001353951.2 and 2 more transcripts); c.3918+2563G>A (NM_001353958.2, NM_001353957.2, NM_001165964.3); c.4002+2563G>A (NM_001202435.3, NM_001353948.2); c.3966+2563G>A (NM_001353955.2, NM_001353954.2); c.3915+2563G>A (NM_001353960.2); c.1560+2563G>A (NM_001353961.2).
Identifiers: ClinVar variation 2017375 (VCV002017375.4), dbSNP rs2468470484, ClinGen allele CA2580064260.